The following is an entry in ClinVar:

NM_006736.6(DNAJB2):c.352+325G>T

Gene: DNAJB2 (DnaJ heat shock protein family (Hsp40) member B2; plus strand). Cytogenetic location: 2q35.
Variant type: single nucleotide variant.
Coding change: c.352+325G>T on transcript NM_006736.6 (MANE Select); 325 bases into the intron after coding-DNA position 352, G replaced by T.
Molecular consequence: intron variant.
Genome position (GRCh38, 1-based): chr2:219,282,386, G>T. VCF-style: chr2-219282386-G-T. GRCh37 (hg19) VCF-style: chr2-220147108-G-T.
Other names: c.352+325G>T (NM_001039550.2).
Identifiers: ClinVar variation 671677 (VCV000671677.2), dbSNP rs6436130, ClinGen allele CA11208823.
Genomic context (GRCh38, chr2:219,282,386, plus strand): 5'-AAGCAAGACTCAAAGCATCTTGTGACAATATTGTTATTATTACCTATAAAACAGATAGTG[G>T]TATTTTTTAATGATAGATATGTGCCAAATATTTTACATTTCGTAAGTCTCTAGTGAATCC-3'

ClinVar aggregate classification (germline): Benign. Review status: criteria provided, multiple submitters, no conflicts (2 of 4 stars). 2 submissions from 2 submitters: Benign (2). Last evaluated 2018-06-19.

Allele frequency attached by ClinVar (database versions not stated): gnomAD exomes 0.15569; 1000 Genomes Project 0.15855; 1000 Genomes Project 30x 0.16162; gnomAD 0.16503 and 0.16528; TOPMed 0.17593.
gnomAD v4.1: 62,755 of 391,984 alleles (16%); highest among the groups gnomAD compares: Middle Eastern, 27%; 5,772 homozygotes.

Submissions (2):

GeneDx
Classification: Benign. Last evaluated: 2018-06-19. Review status: criteria provided, single submitter. Criteria: GeneDx Variant Classification (06012015). Collection method: clinical testing. Allele origin: germline. Affected: yes.
Comment: This variant is considered likely benign or benign based on one or more of the following criteria: it is a conservative change, it occurs at a poorly conserved position in the protein, it is predicted to be benign by multiple in silico algorithms, and/or has population frequency not consistent with disease.

Breakthrough Genomics
Classification: Benign. Review status: criteria provided, single submitter. Criteria: ACMG Guidelines, 2015. Collection method: not provided. Allele origin: germline. Inheritance: Autosomal recessive inheritance. Affected: yes.